The following is an entry in ClinVar:

NM_130837.3(OPA1):c.-8C>T

Gene: OPA1 (OPA1 mitochondrial dynamin like GTPase; plus strand). Cytogenetic location: 3q29.
Variant type: single nucleotide variant.
Coding change: c.-8C>T on transcript NM_130837.3 (MANE Select); 8 bases upstream of the start codon, C replaced by T.
Molecular consequence: 5 prime UTR variant.
Genome position (GRCh38, 1-based): chr3:193,593,370, C>T. VCF-style: chr3-193593370-C-T. GRCh37 (hg19) VCF-style: chr3-193311159-C-T.
Other names: c.-438C>T (NM_001354663.2, NM_001354664.2); c.-8C>T (NM_015560.3, NM_130831.3, NM_130832.3 and 5 more transcripts).
Identifiers: ClinVar variation 344478 (VCV000344478.9), dbSNP rs371988066, ClinGen allele CA2758886.

ClinVar aggregate classification (germline): Conflicting classifications of pathogenicity. Review status: criteria provided, conflicting classifications (1 of 4 stars). 4 submissions from 4 submitters: Uncertain significance (1); Likely benign (2). 1 of the submissions does not count toward it. Last evaluated 2024-12-23.

Conditions:
Autosomal dominant optic atrophy classic form (OPA1). Also called: Optic Atrophy Type 1; KJER-TYPE OPTIC ATROPHY; OPTIC ATROPHY, JUVENILE. Identifiers: Orphanet 98673, MedGen C0338508, MONDO:0008134, OMIM 165500.
OPA1-related disorder. Also called: OPA1-related condition; OPA1-related disorders.

Allele frequency attached by ClinVar (database versions not stated): gnomAD 0.00012 and 0.00013; gnomAD exomes 0.00013 and 0.00019; ESP Exome Variant Server 0.00016; TOPMed 0.00016; ExAC 0.00022.
gnomAD v4.1: 276 of 1,546,348 alleles (0.018%); highest among the groups gnomAD compares: Non-Finnish European, 0.02%; no homozygotes.

Submissions (4):

Mayo Clinic Laboratories, Mayo Clinic
Classification: Likely benign. Last evaluated: 2024-12-23. Review status: criteria provided, single submitter. Criteria: ACMG Guidelines, 2015. Collection method: clinical testing. Allele origin: germline. Observed: 2 variant alleles.
Comment: BP4, BP7, PM2_moderate

Blueprint Genetics
Classification: Likely benign. Last evaluated: 2024-11-25. Review status: criteria provided, single submitter. Criteria: ACMG Guidelines, 2015. Collection method: clinical testing. Allele origin: germline.

Illumina Laboratory Services, Illumina
Classification: Uncertain significance for Autosomal dominant optic atrophy classic form. Last evaluated: 2018-01-12. Review status: criteria provided, single submitter. Criteria: ICSL Variant Classification Criteria 13 December 2019. Collection method: clinical testing. Allele origin: germline.

PreventionGenetics, part of Exact Sciences
Classification: Likely benign for OPA1-related condition. Last evaluated: 2020-08-25. Review status: no assertion criteria provided. Collection method: clinical testing. Allele origin: germline. Not counted in ClinVar's aggregate classification.
Comment: This variant is classified as likely benign based on ACMG/AMP sequence variant interpretation guidelines (Richards et al. 2015 PMID: 25741868, with internal and published modifications).